The following is an entry in ClinVar:

ClinVar aggregate classification (germline): Uncertain significance (1 of 4 stars; one submission).

Allele frequency attached by ClinVar (database versions not stated): gnomAD 0.00001; TOPMed 0.00002.
gnomAD v4.1: 9 of 1,613,402 alleles (0.00056%); highest among the groups gnomAD compares: Non-Finnish European, 0.00076%; no homozygotes.

Submission:

Ambry Genetics
Classification: Uncertain significance. Last evaluated: 2024-10-12. Review status: criteria provided, single submitter. Criteria: Ambry Variant Classification Scheme 2023. Collection method: clinical testing. Allele origin: germline.
Comment: The p.S198P variant (also known as c.592T>C), located in coding exon 7 of the BUB1 gene, results from a T to C substitution at nucleotide position 592. The serine at codon 198 is replaced by proline, an amino acid with similar properties. This amino acid position is conserved. In addition, this alteration is predicted to be tolerated by in silico analysis. Since supporting evidence is limited at this time, the clinical significance of this alteration remains unclear.

NM_004336.5(BUB1):c.592T>C (p.Ser198Pro)

Gene: BUB1 (BUB1 mitotic checkpoint serine/threonine kinase; minus strand). Cytogenetic location: 2q13.
Variant type: single nucleotide variant.
Coding change: c.592T>C on transcript NM_004336.5 (MANE Select); coding-DNA position 592, T replaced by C.
Protein change: p.Ser198Pro; replaces serine 198 with proline.
Molecular consequence: missense variant.
Genome position (GRCh38, 1-based): chr2:110,667,825, A>G on the plus strand (T>C on the coding strand, the complement: BUB1 is on the minus strand). VCF-style: chr2-110667825-A-G. GRCh37 (hg19) VCF-style: chr2-111425402-A-G.
Other names: c.532T>C, p.Ser178Pro (NM_001278616.2); c.592T>C, p.Ser198Pro (NM_001278617.2); short protein forms S198P, S178P.
Identifiers: ClinVar variation 1750568 (VCV001750568.3), dbSNP rs1046571994, ClinGen allele CA53541278.